The following is an entry in ClinVar:

NM_024422.6(DSC2):c.2371C>A (p.His791Asn)

Gene: DSC2 (desmocollin 2; minus strand). Cytogenetic location: 18q12.1.
Variant type: single nucleotide variant.
Coding change: c.2371C>A on transcript NM_024422.6 (MANE Select); coding-DNA position 2371, C replaced by A.
Protein change: p.His791Asn; replaces histidine 791 with asparagine.
Molecular consequence: missense variant.
Genome position (GRCh38, 1-based): chr18:31,069,031, G>T on the plus strand (C>A on the coding strand, the complement: DSC2 is on the minus strand). VCF-style: chr18-31069031-G-T. GRCh37 (hg19) VCF-style: chr18-28648997-G-T.
Other names: c.2371C>A, p.His791Asn (NM_004949.5); short protein forms H791N.
Identifiers: ClinVar variation 923614 (VCV000923614.3), dbSNP rs1789052, ClinGen allele CA297686332.

ClinVar aggregate classification (germline): Uncertain significance (1 of 4 stars; one submission).

Conditions:
Cardiomyopathy (CMYO). Also called: Cardiomyopathies. Identifiers: Orphanet 167848, MedGen C0878544, MONDO:0004994, HP:0001638. Inheritance: Various modes of inheritance.

Submission:

Color Diagnostics, LLC DBA Color Health
Classification: Uncertain significance for Cardiomyopathy. Last evaluated: 2020-01-24. Review status: criteria provided, single submitter. Criteria: ACMG Guidelines, 2015. Collection method: clinical testing. Allele origin: germline.
Comment: This missense variant replaces histidine with asparagine at codon 791 of the DSC2 protein. Computational prediction tool suggests that this variant may not impact protein structure and function (internally defined REVEL score threshold ≤0.5, PMID: 27666373). Splice site prediction tools suggest that this variant may not impact RNA splicing. To our knowledge, functional studies have not been performed for this variant. This variant has not been reported in individuals affected with cardiovascular disorders in the literature. This variant has not been identified in the general population by the Genome Aggregation Database (gnomAD). The available evidence is insufficient to determine the role of this variant in disease conclusively. Therefore, this variant is classified as a Variant of Uncertain Significance.